The following is an entry in ClinVar:

NM_004447.6(EPS8):c.1134C>T (p.Ala378=)

Gene: EPS8 (EGFR pathway substrate 8, signaling adaptor; minus strand). Cytogenetic location: 12p12.3.
Variant type: single nucleotide variant.
Coding change: c.1134C>T on transcript NM_004447.6 (MANE Select); coding-DNA position 1134, C replaced by T.
Protein change: p.Ala378=; no amino-acid change (alanine 378 retained).
Molecular consequence: synonymous variant. On other transcripts: non-coding transcript variant (3).
Genome position (GRCh38, 1-based): chr12:15,654,261, G>A on the plus strand (C>T on the coding strand, the complement: EPS8 is on the minus strand). VCF-style: chr12-15654261-G-A. GRCh37 (hg19) VCF-style: chr12-15807195-G-A.
Other names: c.894C>T, p.Ala298= (NM_001413836.1, NM_001413835.1); c.717C>T, p.Ala239= (NM_001413837.1); c.354C>T, p.Ala118= (NM_001413838.1); c.1134C>T, p.Ala378= (NM_001413839.1, NM_001413831.1, NM_001413832.1 and 2 more transcripts).
Identifiers: ClinVar variation 3052867 (VCV003052867.6), dbSNP rs2540355198, ClinGen allele CA478749432.

ClinVar aggregate classification (germline): Likely benign. Review status: criteria provided, single submitter (1 of 4 stars). 2 submissions from 2 submitters: Likely benign (1). 1 of the submissions does not count toward it. Last evaluated 2026-02-01.

Conditions:
EPS8-related disorder. Also called: EPS8-related condition.

Submissions (2):

CeGaT Center for Human Genetics Tuebingen
Classification: Likely benign. Last evaluated: 2026-02-01. Review status: criteria provided, single submitter. Criteria: CeGaT Center For Human Genetics Tuebingen Variant Classification Criteria Version 2. Collection method: clinical testing. Allele origin: germline. Affected: yes. Observed: 1 variant allele.
Comment: EPS8: PM2:Supporting, BP4, BP7

PreventionGenetics, part of Exact Sciences
Classification: Likely benign for EPS8-related condition. Last evaluated: 2019-08-29. Review status: no assertion criteria provided. Collection method: clinical testing. Allele origin: germline. Not counted in ClinVar's aggregate classification.
Comment: This variant is classified as likely benign based on ACMG/AMP sequence variant interpretation guidelines (Richards et al. 2015 PMID: 25741868, with internal and published modifications).